The following is an entry in ClinVar:

ClinVar aggregate classification (germline): Uncertain significance (1 of 4 stars; one submission).

gnomAD v4.1: 4 of 1,614,114 alleles (0.00025%); highest among the groups gnomAD compares: Non-Finnish European, 0.00034%; no homozygotes.

Submission:

Labcorp Genetics (formerly Invitae), Labcorp
Classification: Uncertain significance. Last evaluated: 2025-07-16. Review status: criteria provided, single submitter. Criteria: Invitae Variant Classification Sherloc (09022015). Collection method: clinical testing. Allele origin: germline.
Comment: This sequence change falls in intron 56 of the COL27A1 gene. It does not directly change the encoded amino acid sequence of the COL27A1 protein. It affects a nucleotide within the consensus splice site. This variant is not present in population databases (gnomAD no frequency). This variant has not been reported in the literature in individuals affected with COL27A1-related conditions. ClinVar contains an entry for this variant (Variation ID: 2960679). Variants that disrupt the consensus splice site are a relatively common cause of aberrant splicing (PMID: 17576681, 9536098). Algorithms developed to predict the effect of sequence changes on RNA splicing suggest that this variant is not likely to affect RNA splicing. In summary, the available evidence is currently insufficient to determine the role of this variant in disease. Therefore, it has been classified as a Variant of Uncertain Significance.

Literature cited by the submitters: PubMed 17576681; PubMed 9536098.

NM_032888.4(COL27A1):c.4873-3C>T

Gene: COL27A1 (collagen type XXVII alpha 1 chain; plus strand). Cytogenetic location: 9q32.
Variant type: single nucleotide variant.
Coding change: c.4873-3C>T on transcript NM_032888.4 (MANE Select); 3 bases into the intron before coding-DNA position 4873, C replaced by T.
Molecular consequence: intron variant.
Genome position (GRCh38, 1-based): chr9:114,304,605, C>T. VCF-style: chr9-114304605-C-T. GRCh37 (hg19) VCF-style: chr9-117066885-C-T.
Identifiers: ClinVar variation 2960679 (VCV002960679.2), dbSNP rs2490381772, ClinGen allele CA2691362678.